The following is an entry in ClinVar:

NM_000135.4(FANCA):c.623C>T (p.Ser208Leu)

Gene: FANCA (FA complementation group A; minus strand). Cytogenetic location: 16q24.3.
Variant type: single nucleotide variant.
Coding change: c.623C>T on transcript NM_000135.4 (MANE Select); coding-DNA position 623, C replaced by T.
Protein change: p.Ser208Leu; replaces serine 208 with leucine.
Molecular consequence: missense variant.
Genome position (GRCh38, 1-based): chr16:89,805,366, G>A on the plus strand (C>T on the coding strand, the complement: FANCA is on the minus strand). VCF-style: chr16-89805366-G-A. GRCh37 (hg19) VCF-style: chr16-89871774-G-A.
Other names: c.623C>T (LRG_495t1); c.623C>T, p.Ser208Leu (NM_001018112.3, NM_001286167.3); c.527C>T, p.Ser176Leu (NM_001351830.2); short protein forms S208L, S176L.
Identifiers: ClinVar variation 134289 (VCV000134289.31), dbSNP rs144420697, ClinGen allele CA159367.

ClinVar aggregate classification (germline): Benign/Likely benign. Review status: criteria provided, multiple submitters, no conflicts (2 of 4 stars). 10 submissions from 10 submitters: Benign (5); Likely benign (2). 3 of the submissions do not count toward it. Last evaluated 2026-07-01.

Conditions:
Fanconi anemia (FA). Also called: Fanconi's anemia. Identifiers: Orphanet 84, MedGen C0015625, MeSH D005199, MONDO:0019391.
Fanconi anemia complementation group A (FANCA). Also called: FANCA-Related Fanconi Anemia; Fanconi anemia, group A. Identifiers: Orphanet 84, MedGen C3469521, MONDO:0009215, OMIM 227650.

Allele frequency attached by ClinVar (database versions not stated): gnomAD exomes 0.00028 and 0.00073; ExAC 0.00090; ESP Exome Variant Server 0.00308; 1000 Genomes Project 30x 0.00312; TOPMed 0.00313; 1000 Genomes Project 0.00319; gnomAD 0.00325.
gnomAD v4.1: 847 of 1,613,938 alleles (0.052%); highest among the groups gnomAD compares: African/African-American, 1%; 5 homozygotes.

Submissions (10):

CeGaT Center for Human Genetics Tuebingen
Classification: Likely benign. Last evaluated: 2026-07-01. Review status: criteria provided, single submitter. Criteria: CeGaT Center For Human Genetics Tuebingen Variant Classification Criteria Version 2. Collection method: clinical testing. Allele origin: germline. Affected: yes. Observed: 2 variant alleles.
Comment: FANCA: BP4, BS1

Labcorp Genetics (formerly Invitae), Labcorp
Classification: Benign for Fanconi anemia. Last evaluated: 2026-01-31. Review status: criteria provided, single submitter. Criteria: Invitae Variant Classification Sherloc (09022015). Collection method: clinical testing. Allele origin: germline.

Quest Diagnostics Nichols Institute San Juan Capistrano
Classification: Benign. Last evaluated: 2025-10-22. Review status: criteria provided, single submitter. Criteria: Quest Diagnostics criteria. Collection method: clinical testing. Allele origin: unknown.

Blueprint Genetics
Classification: Likely benign. Last evaluated: 2024-09-12. Review status: criteria provided, single submitter. Criteria: ACMG Guidelines, 2015. Collection method: clinical testing. Allele origin: germline.

KCCC/NGS Laboratory, Kuwait Cancer Control Center
Classification: Benign for Fanconi anemia complementation group A. Last evaluated: 2023-07-07. Review status: criteria provided, single submitter. Criteria: ACMG Guidelines, 2015. Collection method: clinical testing. Allele origin: germline. Affected: yes.

Genetic Services Laboratory, University of Chicago
Classification: Benign. Last evaluated: 2021-04-22. Review status: criteria provided, single submitter. Criteria: ACMG Guidelines, 2015. Collection method: clinical testing. Allele origin: germline. Affected: no.

PreventionGenetics, part of Exact Sciences
Classification: Benign. Review status: criteria provided, single submitter. Criteria: ACMG Guidelines, 2015. Collection method: clinical testing. Allele origin: germline.

Natera, Inc.
Classification: Likely benign for Fanconi anemia. Last evaluated: 2019-10-23. Review status: no assertion criteria provided. Collection method: clinical testing. Allele origin: germline. Not counted in ClinVar's aggregate classification.

Counsyl
Classification: Uncertain significance for Fanconi anemia complementation group A. Last evaluated: 2016-12-28. Review status: no assertion criteria provided. Collection method: clinical testing. Allele origin: unknown. Not counted in ClinVar's aggregate classification.

ITMI
No classification provided. Condition: AllHighlyPenetrant. Last evaluated: 2013-09-19. Review status: no classification provided. Collection method: reference population. Allele origin: germline. Not counted in ClinVar's aggregate classification.
Comment: Please see associated publication for description of ethnicities

Literature cited by the submitters: PubMed 24728327 (cited by Quest Diagnostics Nichols Institute San Juan Capistrano and ITMI).